The following is an entry in ClinVar:

NM_000344.4(SMN1):c.835-4dup

Genes: SMN1 (survival of motor neuron 1, telomeric), SMN2 (survival of motor neuron 2, centromeric). Cytogenetic location: 5q13.2.
Variant type: Duplication.
Coding change: c.835-4dup on transcript NM_000344.4 (MANE Select); 4 bases into the intron before coding-DNA position 835, one base duplicated.
Molecular consequence: intron variant.
Genome position: GRCh38 VCF-style: chr5-70951936-T-TA. GRCh37 (hg19) VCF-style: chr5-70247763-T-TA.
Other names: c.835-4dupA (NM_000344.4, NM_000344.3); c.835-502dup (NM_001297715.1); c.739-4dup (NM_022874.2).
Identifiers: ClinVar variation 527330 (VCV000527330.6), dbSNP rs1554082376, ClinGen allele CA658796532.

ClinVar aggregate classification (germline): Likely benign. Review status: criteria provided, multiple submitters, no conflicts (2 of 4 stars). 2 submissions from 2 submitters: Likely benign (2). Last evaluated 2025-04-29.

Conditions:
Spinal muscular atrophy (SMA). Identifiers: MedGen C0026847, MeSH D009134, MONDO:0001516, HP:0007269.

Submissions (2):

Women's Health and Genetics/Laboratory Corporation of America, LabCorp
Classification: Likely benign. Last evaluated: 2025-04-29. Review status: criteria provided, single submitter. Criteria: LabCorp Variant Classification Summary - May 2015. Collection method: clinical testing. Allele origin: germline.
Comment: Variant summary: SMN1 c.835-4dupA alters a nucleotide located at a position not widely known to affect splicing. Consensus agreement among computation tools predict no significant impact on normal splicing. However, these predictions have yet to be confirmed by functional studies. The variant was absent in 248152 control chromosomes (gnomAD). The available data on variant occurrences in the general population are insufficient to allow any conclusion about variant significance. To our knowledge, no occurrence of c.835-4dupA in individuals affected with Spinal Muscular Atrophy and no experimental evidence demonstrating its impact on protein function have been reported. ClinVar contains an entry for this variant (Variation ID: 527330). Based on the evidence outlined above, the variant was classified as likely benign.

Labcorp Genetics (formerly Invitae), Labcorp
Classification: Likely benign for Spinal muscular atrophy. Last evaluated: 2017-10-31. Review status: criteria provided, single submitter. Criteria: Invitae Variant Classification Sherloc (09022015). Collection method: clinical testing. Allele origin: germline.